The following is an entry in ClinVar:

ClinVar aggregate classification (germline): Uncertain significance. Review status: criteria provided, multiple submitters, no conflicts (2 of 4 stars). 2 submissions from 2 submitters: Uncertain significance (2). Last evaluated 2025-03-14.

gnomAD v4.1: 1 of 1,613,490 alleles (0.000062%); highest among the groups gnomAD compares: Non-Finnish European, 0.000085%; no homozygotes.

Submissions (2):

Ambry Genetics
Classification: Uncertain significance. Last evaluated: 2025-03-14. Review status: criteria provided, single submitter. Criteria: Ambry Variant Classification Scheme 2023. Collection method: clinical testing. Allele origin: germline.
Comment: The p.R404P variant (also known as c.1211G>C), located in coding exon 12 of the RASA2 gene, results from a G to C substitution at nucleotide position 1211. The arginine at codon 404 is replaced by proline, an amino acid with dissimilar properties. This amino acid position is conserved. In addition, the in silico prediction for this alteration is inconclusive. Based on the available evidence, the clinical significance of this variant remains unclear.

Blueprint Genetics
Classification: Uncertain significance. Last evaluated: 2024-03-01. Review status: criteria provided, single submitter. Criteria: ACMG Guidelines, 2015. Collection method: clinical testing. Allele origin: germline.

NM_006506.5(RASA2):c.1211G>C (p.Arg404Pro)

Gene: RASA2 (RAS p21 protein activator 2; plus strand). Cytogenetic location: 3q23.
Variant type: single nucleotide variant.
Coding change: c.1211G>C on transcript NM_006506.5 (MANE Select); coding-DNA position 1211, G replaced by C.
Protein change: p.Arg404Pro; replaces arginine 404 with proline.
Molecular consequence: missense variant.
Genome position (GRCh38, 1-based): chr3:141,572,650, G>C. VCF-style: chr3-141572650-G-C. GRCh37 (hg19) VCF-style: chr3-141291492-G-C.
Other names: c.1211G>C, p.Arg404Pro (NM_001303245.3, NM_001303246.3); short protein forms R404P.
Identifiers: ClinVar variation 3786981 (VCV003786981.2).